The following is an entry in ClinVar:

NM_000135.4(FANCA):c.2413C>A (p.Pro805Thr)

Gene: FANCA (FA complementation group A; minus strand). Cytogenetic location: 16q24.3.
Variant type: single nucleotide variant.
Coding change: c.2413C>A on transcript NM_000135.4 (MANE Select); coding-DNA position 2413, C replaced by A.
Protein change: p.Pro805Thr; replaces proline 805 with threonine.
Molecular consequence: missense variant.
Genome position (GRCh38, 1-based): chr16:89,769,928, G>T on the plus strand (C>A on the coding strand, the complement: FANCA is on the minus strand). VCF-style: chr16-89769928-G-T. GRCh37 (hg19) VCF-style: chr16-89836336-G-T.
Other names: c.2413C>A, p.Pro805Thr (NM_001286167.3); short protein forms P805T.
Identifiers: ClinVar variation 4254221 (VCV004254221.1).

ClinVar aggregate classification (germline): Uncertain significance (1 of 4 stars; one submission).

Conditions:
Inborn genetic diseases. Identifiers: MedGen C0950123, MeSH D030342.

Submission:

Ambry Genetics
Classification: Uncertain significance for Inborn genetic diseases. Last evaluated: 2025-07-22. Review status: criteria provided, single submitter. Criteria: Ambry Variant Classification Scheme 2023. Collection method: clinical testing. Allele origin: germline.
Comment: The p.P805T variant (also known as c.2413C>A), located in coding exon 26 of the FANCA gene, results from a C to A substitution at nucleotide position 2413. The proline at codon 805 is replaced by threonine, an amino acid with highly similar properties. This amino acid position is conserved. In addition, this alteration is predicted to be tolerated by in silico analysis. Based on the available evidence, the clinical significance of this variant remains unclear.